The following is an entry in ClinVar:

ClinVar aggregate classification (germline): Uncertain significance. Review status: criteria provided, multiple submitters, no conflicts (2 of 4 stars). 2 submissions from 2 submitters: Uncertain significance (2). Last evaluated 2024-04-30.

Allele frequency attached by ClinVar (database versions not stated): ExAC 0.00001; gnomAD exomes 0.00001.

Submissions (2):

Blueprint Genetics
Classification: Uncertain significance. Last evaluated: 2024-04-30. Review status: criteria provided, single submitter. Criteria: ACMG Guidelines, 2015. Collection method: clinical testing. Allele origin: germline.

Labcorp Genetics (formerly Invitae), Labcorp
Classification: Uncertain significance. Last evaluated: 2021-01-13. Review status: criteria provided, single submitter. Criteria: Invitae Variant Classification Sherloc (09022015). Collection method: clinical testing. Allele origin: germline.
Comment: This sequence change replaces glycine with aspartic acid at codon 42 of the PDE6H protein (p.Gly42Asp). The glycine residue is highly conserved and there is a moderate physicochemical difference between glycine and aspartic acid. This variant is present in population databases (rs746033819, ExAC 0.006%). This variant has not been reported in the literature in individuals with PDE6H-related conditions. Algorithms developed to predict the effect of missense changes on protein structure and function (SIFT, PolyPhen-2, Align-GVGD) all suggest that this variant is likely to be disruptive, but these predictions have not been confirmed by published functional studies and their clinical significance is uncertain. In summary, the available evidence is currently insufficient to determine the role of this variant in disease. Therefore, it has been classified as a Variant of Uncertain Significance.

NM_006205.3(PDE6H):c.125G>A (p.Gly42Asp)

Gene: PDE6H (phosphodiesterase 6H; plus strand). Cytogenetic location: 12p12.3.
Variant type: single nucleotide variant.
Coding change: c.125G>A on transcript NM_006205.3 (MANE Select); coding-DNA position 125, G replaced by A.
Protein change: p.Gly42Asp; replaces glycine 42 with aspartic acid.
Molecular consequence: missense variant.
Genome position (GRCh38, 1-based): chr12:14,978,137, G>A. VCF-style: chr12-14978137-G-A. GRCh37 (hg19) VCF-style: chr12-15131071-G-A.
Other names: short protein forms G42D.
Identifiers: ClinVar variation 1355392 (VCV001355392.9), dbSNP rs746033819, ClinGen allele CA6465857.